The following is an entry in ClinVar:

NM_031229.4(RBCK1):c.745C>T (p.Gln249Ter)

Gene: RBCK1 (RANBP2-type and C3HC4-type zinc finger containing 1; plus strand). Cytogenetic location: 20p13.
Variant type: single nucleotide variant.
Coding change: c.745C>T on transcript NM_031229.4 (MANE Select); coding-DNA position 745, C replaced by T.
Protein change: p.Gln249Ter; replaces glutamine 249 with a stop codon.
Molecular consequence: nonsense. On other transcripts: synonymous variant (2), non-coding transcript variant (1).
Genome position (GRCh38, 1-based): chr20:419,720, C>T. VCF-style: chr20-419720-C-T. GRCh37 (hg19) VCF-style: chr20-400364-C-T.
Other names: c.396C>T, p.Val132= (NM_001323956.2, NM_001323958.2); c.619C>T, p.Gln207Ter (NM_006462.6); short protein forms Q207*, Q249*.
Identifiers: ClinVar variation 1690386 (VCV001690386.7), dbSNP rs2016260522, ClinGen allele CA407926417.

ClinVar aggregate classification (germline): Pathogenic/Likely pathogenic. Review status: criteria provided, multiple submitters, no conflicts (2 of 4 stars). 2 submissions from 2 submitters: Pathogenic (1); Likely pathogenic (1). Last evaluated 2025-01-06.

Conditions:
Polyglucosan body myopathy type 1 (PGBM1). Also called: Polyglucosan body myopathy 1 with or without immunodeficiency; POLYGLUCOSAN BODY MYOPATHY WITHOUT IMMUNODEFICIENCY. Identifiers: Orphanet 329173, Orphanet 397937, MedGen C4014605, MONDO:0014389, OMIM 615895.

Submissions (2):

Labcorp Genetics (formerly Invitae), Labcorp
Classification: Pathogenic for Polyglucosan body myopathy type 1. Last evaluated: 2025-01-06. Review status: criteria provided, single submitter. Criteria: Invitae Variant Classification Sherloc (09022015). Collection method: clinical testing. Allele origin: germline.
Comment: This sequence change creates a premature translational stop signal (p.Gln249*) in the RBCK1 gene. It is expected to result in an absent or disrupted protein product. Loss-of-function variants in RBCK1 are known to be pathogenic (PMID: 2379848, 23104095, 23889995). This variant is not present in population databases (gnomAD no frequency). This variant has not been reported in the literature in individuals affected with RBCK1-related conditions. ClinVar contains an entry for this variant (Variation ID: 1690386). For these reasons, this variant has been classified as Pathogenic.

Laboratorio de Genetica e Diagnostico Molecular, Hospital Israelita Albert Einstein
Classification: Likely pathogenic. Last evaluated: 2021-05-19. Review status: criteria provided, single submitter. Criteria: ACMG Guidelines, 2015. Collection method: clinical testing. Allele origin: germline. Affected: yes.
Comment: ACMG classification criteria: PVS1, PM2

Literature cited by the submitters: PubMed 2379848 (cited by Labcorp Genetics (formerly Invitae), Labcorp); PubMed 23104095 (cited by Labcorp Genetics (formerly Invitae), Labcorp); PubMed 23889995 (cited by Labcorp Genetics (formerly Invitae), Labcorp).